The following is an entry in ClinVar:

ClinVar aggregate classification (germline): Benign (1 of 4 stars; one submission).

Conditions:
Juvenile polyposis/hereditary hemorrhagic telangiectasia syndrome (JPHT). Also called: JP/HHT SYNDROME; JUVENILE POLYPOSIS WITH HEREDITARY HEMORRHAGIC TELANGIECTASIA; POLYPOSIS, GENERALIZED JUVENILE, WITH PULMONARY ARTERIOVENOUS MALFORMATION; TELANGIECTASIA, HEREDITARY HEMORRHAGIC, WITH JUVENILE POLYPOSIS COLI; Juvenile Polyposis Syndrome / Hereditary Hemorrhagic Telangiectasia (JPS/HHT). Identifiers: Orphanet 2929, MedGen C1832942, MONDO:0008278, OMIM 175050.

Submission:

Myriad Genetics, Inc.
Classification: Benign for Juvenile polyposis/hereditary hemorrhagic telangiectasia syndrome. Last evaluated: 2025-03-18. Review status: criteria provided, single submitter. Criteria: Myriad Autosomal Dominant, Autosomal Recessive and X-Linked Classification Criteria (2023). Collection method: clinical testing. Allele origin: unknown.
Comment: This variant is considered benign. This variant is a silent/synonymous amino acid change and it is not expected to impact splicing.

NM_005359.6(SMAD4):c.246T>G (p.Leu82=)

Gene: SMAD4 (SMAD family member 4; plus strand). Cytogenetic location: 18q21.2.
Variant type: single nucleotide variant.
Coding change: c.246T>G on transcript NM_005359.6 (MANE Select); coding-DNA position 246, T replaced by G.
Protein change: p.Leu82=; no amino-acid change (leucine 82 retained).
Molecular consequence: synonymous variant. On other transcripts: non-coding transcript variant (2).
Genome position (GRCh38, 1-based): chr18:51,047,292, T>G. VCF-style: chr18-51047292-T-G. GRCh37 (hg19) VCF-style: chr18-48573662-T-G.
Other names: c.246T>G, p.Leu82= (NM_001407041.1, NM_001407042.1, NM_001407043.1).
Identifiers: ClinVar variation 3903915 (VCV003903915.1).